The following is an entry in ClinVar:

ClinVar aggregate classification (germline): Uncertain significance (1 of 4 stars; one submission).

Submission:

Labcorp Genetics (formerly Invitae), Labcorp
Classification: Uncertain significance. Last evaluated: 2024-01-26. Review status: criteria provided, single submitter. Criteria: Invitae Variant Classification Sherloc (09022015). Collection method: clinical testing. Allele origin: germline.
Comment: This sequence change replaces lysine, which is basic and polar, with glutamic acid, which is acidic and polar, at codon 817 of the DNA2 protein (p.Lys817Glu). This variant is not present in population databases (gnomAD no frequency). This variant has not been reported in the literature in individuals affected with DNA2-related conditions. Advanced modeling of protein sequence and biophysical properties (such as structural, functional, and spatial information, amino acid conservation, physicochemical variation, residue mobility, and thermodynamic stability) performed at Invitae indicates that this missense variant is not expected to disrupt DNA2 protein function with a negative predictive value of 80%. In summary, the available evidence is currently insufficient to determine the role of this variant in disease. Therefore, it has been classified as a Variant of Uncertain Significance.

NM_001080449.3(DNA2):c.2449A>G (p.Lys817Glu)

Gene: DNA2 (DNA replication helicase/nuclease 2; minus strand). Cytogenetic location: 10q21.3.
Variant type: single nucleotide variant.
Coding change: c.2449A>G on transcript NM_001080449.3 (MANE Select); coding-DNA position 2449, A replaced by G.
Protein change: p.Lys817Glu; replaces lysine 817 with glutamic acid.
Molecular consequence: missense variant. On other transcripts: non-coding transcript variant (1).
Genome position (GRCh38, 1-based): chr10:68,422,558, T>C on the plus strand (A>G on the coding strand, the complement: DNA2 is on the minus strand). VCF-style: chr10-68422558-T-C. GRCh37 (hg19) VCF-style: chr10-70182315-T-C.
Other names: short protein forms K817E.
Identifiers: ClinVar variation 2805824 (VCV002805824.3), dbSNP rs2493903308, ClinGen allele CA376847330.